The following is an entry in ClinVar:

NM_006267.5(RANBP2):c.3921C>G (p.Ala1307=)

Gene: RANBP2 (RAN binding protein 2; plus strand). Cytogenetic location: 2q13.
Variant type: single nucleotide variant.
Coding change: c.3921C>G on transcript NM_006267.5 (MANE Select); coding-DNA position 3921, C replaced by G.
Protein change: p.Ala1307=; no amino-acid change (alanine 1307 retained).
Molecular consequence: synonymous variant.
Genome position (GRCh38, 1-based): chr2:108,764,460, C>G. VCF-style: chr2-108764460-C-G. GRCh37 (hg19) VCF-style: chr2-109380916-C-G.
Other names: c.3921C>G, p.Ala1307= (NM_001415871.1, NM_001415873.1); c.3918C>G, p.Ala1306= (NM_001415872.1).
Identifiers: ClinVar variation 4281383 (VCV004281383.7).

ClinVar aggregate classification (germline): Likely benign (1 of 4 stars; one submission).

Submission:

CeGaT Center for Human Genetics Tuebingen
Classification: Likely benign. Last evaluated: 2025-09-01. Review status: criteria provided, single submitter. Criteria: CeGaT Center For Human Genetics Tuebingen Variant Classification Criteria Version 2. Collection method: clinical testing. Allele origin: germline. Affected: yes. Observed: 1 variant allele.
Comment: RANBP2: PM2:Supporting, BP4, BP7